The following is an entry in ClinVar:

ClinVar aggregate classification (germline): Pathogenic (1 of 4 stars; one submission).

Conditions:
Fetal anomalies with a likely genetic cause.

Submission:

Genetics Laboratory, Great Ormond Street Hospital NHS Foundation Trust, North Thames Genomic Laboratory Hub
Classification: Pathogenic for Fetal anomalies with a likely genetic cause. Last evaluated: 2026-07-29. Review status: criteria provided, single submitter. Criteria: ACGS Best Practice Guidelines for Variant Classification in Rare Disease 2024 v1.2. Collection method: clinical testing. Allele origin: germline. Affected: yes.
Comment: PM2_moderate, PVS1_very-strong

NM_001256545.2(MEGF10):c.1469del (p.Thr490fs)

Gene: MEGF10 (multiple EGF like domains 10; plus strand). Cytogenetic location: 5q23.2.
Variant type: Deletion.
Coding change: c.1469del on transcript NM_001256545.2 (MANE Select); coding-DNA position 1469, one base deleted (C; older notation c.1469delC).
Protein change: p.Thr490fs; shifts the reading frame from threonine 490.
Molecular consequence: frameshift variant.
Genome position (GRCh38, 1-based): chr5:127,420,086, C deleted. VCF-style (leftmost placement, unchanged base first): chr5-127420085-AC-A. GRCh37 (hg19) VCF-style: chr5-126755777-AC-A.
Other names: c.1469del, p.Thr490fs (NM_001308119.2, NM_001308121.2, NM_032446.3); short protein forms T490fs.
Identifiers: ClinVar variation 4976886 (VCV004976886.1).